The following is an entry in ClinVar:

ClinVar aggregate classification (germline): Uncertain significance. Review status: criteria provided, single submitter (1 of 4 stars). 2 submissions from 2 submitters: Uncertain significance (1). 1 of the submissions does not count toward it. Last evaluated 2025-11-24.

Conditions:
PMM2-congenital disorder of glycosylation. Also called: CDG Ia; JAEKEN SYNDROME; PHOSPHOMANNOMUTASE 2 DEFICIENCY; CARBOHYDRATE-DEFICIENT GLYCOPROTEIN SYNDROME, TYPE Ia; PMM2-CDG; Congenital disorder of glycosylation, type Ia. Identifiers: Orphanet 79318, MedGen C0349653, MONDO:0008907, OMIM 212065.

Allele frequency attached by ClinVar (database versions not stated): ExAC 0.00001; gnomAD exomes 0.00002.
gnomAD v4.1: 17 of 1,614,066 alleles (0.0011%); highest among the groups gnomAD compares: South Asian, 0.018%; 2 homozygotes.

Submissions (2):

Labcorp Genetics (formerly Invitae), Labcorp
Classification: Uncertain significance for PMM2-congenital disorder of glycosylation. Last evaluated: 2025-11-24. Review status: criteria provided, single submitter. Criteria: Invitae Variant Classification Sherloc (09022015). Collection method: clinical testing. Allele origin: germline.
Comment: This sequence change replaces methionine, which is neutral and non-polar, with threonine, which is neutral and polar, at codon 227 of the PMM2 protein (p.Met227Thr). This variant is present in population databases (rs772410793, gnomAD 0.01%). This variant has not been reported in the literature in individuals affected with PMM2-related conditions. ClinVar contains an entry for this variant (Variation ID: 863159). Invitae Evidence Modeling of protein sequence and biophysical properties (such as structural, functional, and spatial information, amino acid conservation, physicochemical variation, residue mobility, and thermodynamic stability) indicates that this missense variant is expected to disrupt PMM2 protein function with a positive predictive value of 95%. In summary, the available evidence is currently insufficient to determine the role of this variant in disease. Therefore, it has been classified as a Variant of Uncertain Significance.

Natera, Inc.
Classification: Uncertain significance for Congenital disorder of glycosylation type 1a. Last evaluated: 2021-04-02. Review status: no assertion criteria provided. Collection method: clinical testing. Allele origin: germline. Not counted in ClinVar's aggregate classification.

NM_000303.3(PMM2):c.680T>C (p.Met227Thr)

Gene: PMM2 (phosphomannomutase 2; plus strand). Cytogenetic location: 16p13.2.
Variant type: single nucleotide variant.
Coding change: c.680T>C on transcript NM_000303.3 (MANE Select); coding-DNA position 680, T replaced by C.
Protein change: p.Met227Thr; replaces methionine 227 with threonine.
Molecular consequence: missense variant.
Genome position (GRCh38, 1-based): chr16:8,847,764, T>C. VCF-style: chr16-8847764-T-C. GRCh37 (hg19) VCF-style: chr16-8941621-T-C.
Other names: short protein forms M227T.
Identifiers: ClinVar variation 863159 (VCV000863159.12), dbSNP rs772410793, ClinGen allele CA7894202.